The following is an entry in ClinVar:

NM_198253.3(TERT):c.359G>T (p.Arg120Leu)

Gene: TERT (telomerase reverse transcriptase; minus strand). Cytogenetic location: 5p15.33.
Variant type: single nucleotide variant.
Coding change: c.359G>T on transcript NM_198253.3 (MANE Select); coding-DNA position 359, G replaced by T.
Protein change: p.Arg120Leu; replaces arginine 120 with leucine.
Molecular consequence: missense variant. On other transcripts: non-coding transcript variant (2).
Genome position (GRCh38, 1-based): chr5:1,294,527, C>A on the plus strand (G>T on the coding strand, the complement: TERT is on the minus strand). VCF-style: chr5-1294527-C-A. GRCh37 (hg19) VCF-style: chr5-1294642-C-A.
Other names: c.359G>T, p.Arg120Leu (NM_001193376.3); short protein forms R120L.
Identifiers: ClinVar variation 4561554 (VCV004561554.1).

ClinVar aggregate classification (germline): Uncertain significance (1 of 4 stars; one submission).

Conditions:
Dyskeratosis congenita. Identifiers: Orphanet 1775, MedGen C0265965, MONDO:0015780.

Submission:

Ambry Genetics
Classification: Uncertain significance for Dyskeratosis congenita. Last evaluated: 2025-09-29. Review status: criteria provided, single submitter. Criteria: Ambry Variant Classification Scheme 2023. Collection method: clinical testing. Allele origin: germline.
Comment: The p.R120L variant (also known as c.359G>T), located in coding exon 2 of the TERT gene, results from a G to T substitution at nucleotide position 359. The arginine at codon 120 is replaced by leucine, an amino acid with dissimilar properties. This amino acid position is conserved. In addition, the in silico prediction for this alteration is inconclusive. Based on the available evidence, the clinical significance of this variant remains unclear.